The following is an entry in ClinVar:

NM_001145026.2(PTPRQ):c.1410G>T (p.Met470Ile)

Gene: PTPRQ (protein tyrosine phosphatase receptor type Q; plus strand). Cytogenetic location: 12q21.31.
Variant type: single nucleotide variant.
Coding change: c.1410G>T on transcript NM_001145026.2 (MANE Select); coding-DNA position 1410, G replaced by T.
Protein change: p.Met470Ile; replaces methionine 470 with isoleucine.
Molecular consequence: missense variant.
Genome position (GRCh38, 1-based): chr12:80,493,325, G>T. VCF-style: chr12-80493325-G-T. GRCh37 (hg19) VCF-style: chr12-80887104-G-T.
Other names: short protein forms M470I.
Identifiers: ClinVar variation 4982242 (VCV004982242.1).

ClinVar aggregate classification (germline): Uncertain significance (1 of 4 stars; one submission).

Conditions:
PTPRQ-related disorder. Also called: PTPRQ-related condition.

Submission:

PreventionGenetics, part of Exact Sciences
Classification: Uncertain significance for PTPRQ-related condition. Last evaluated: 2026-06-29. Review status: criteria provided, single submitter. Criteria: ACMG Guidelines, 2015. Collection method: clinical testing. Allele origin: germline.
Comment: The PTPRQ c.1410G>T variant is predicted to result in the amino acid substitution p.Met470Ile. To our knowledge, this variant has not been reported in the literature. This variant is reported in 0.016% of alleles in individuals of European (Non-Finnish) descent in gnomAD. At this time, the clinical significance of this variant is uncertain due to the absence of conclusive functional and genetic evidence.